The following is an entry in ClinVar:

ClinVar aggregate classification (germline): Likely benign. Review status: criteria provided, multiple submitters, no conflicts (2 of 4 stars). 4 submissions from 4 submitters: Likely benign (4). Last evaluated 2025-08-18.

Conditions:
PAX5-related disorder. Also called: PAX5-related condition.
Inborn genetic diseases. Identifiers: MedGen C0950123, MeSH D030342.

Allele frequency attached by ClinVar (database versions not stated): gnomAD exomes 0.00004 and 0.00011; ExAC 0.00028; ESP Exome Variant Server 0.00039; TOPMed 0.00051; gnomAD 0.00052 and 0.00058; 1000 Genomes Project 30x 0.00062; 1000 Genomes Project 0.00080.
gnomAD v4.1: 141 of 1,587,246 alleles (0.0089%); highest among the groups gnomAD compares: African/African-American, 0.17%; no homozygotes.

Submissions (4):

PreventionGenetics, part of Exact Sciences
Classification: Likely benign for PAX5-related condition. Last evaluated: 2025-08-18. Review status: criteria provided, single submitter. Criteria: ACMG Guidelines, 2015. Collection method: clinical testing. Allele origin: germline.
Comment: This variant is classified as likely benign based on ACMG/AMP sequence variant interpretation guidelines (Richards et al. 2015 PMID: 25741868, with internal and published modifications).

Ambry Genetics
Classification: Likely benign for Inborn genetic diseases. Last evaluated: 2024-11-17. Review status: criteria provided, single submitter. Criteria: Ambry Variant Classification Scheme 2023. Collection method: clinical testing. Allele origin: germline.

Blueprint Genetics
Classification: Likely benign. Last evaluated: 2024-08-12. Review status: criteria provided, single submitter. Criteria: ACMG Guidelines, 2015. Collection method: clinical testing. Allele origin: germline.

Labcorp Genetics (formerly Invitae), Labcorp
Classification: Likely benign. Last evaluated: 2024-03-16. Review status: criteria provided, single submitter. Criteria: Invitae Variant Classification Sherloc (09022015). Collection method: clinical testing. Allele origin: germline.

NM_016734.3(PAX5):c.1149A>C (p.Ala383=)

Gene: PAX5 (paired box 5; minus strand). Cytogenetic location: 9p13.2.
Variant type: single nucleotide variant.
Coding change: c.1149A>C on transcript NM_016734.3 (MANE Select); coding-DNA position 1149, A replaced by C.
Protein change: p.Ala383=; no amino-acid change (alanine 383 retained).
Molecular consequence: synonymous variant. On other transcripts: missense variant (2), non-coding transcript variant (2).
Genome position (GRCh38, 1-based): chr9:36,840,587, T>G on the plus strand (A>C on the coding strand, the complement: PAX5 is on the minus strand). VCF-style: chr9-36840587-T-G. GRCh37 (hg19) VCF-style: chr9-36840584-T-G.
Other names: c.1047A>C, p.Ala349= (NM_001280547.2); c.1062A>C, p.Ala354= (NM_001280548.2); c.917A>C, p.Gln306Pro (NM_001280549.2); c.830A>C, p.Gln277Pro (NM_001280550.2); c.636A>C, p.Ala212= (NM_001280551.2); c.960A>C, p.Ala320= (NM_001280552.2); c.933A>C, p.Ala311= (NM_001280553.2); c.1020A>C, p.Ala340= (NM_001280554.2); and 4 more; short protein forms Q277P, Q306P.
Identifiers: ClinVar variation 745370 (VCV000745370.10), dbSNP rs200635509, ClinGen allele CA5058004.